The following is an entry in ClinVar:

NM_138425.4(C12orf57):c.229+2T>C

Gene: C12orf57 (chromosome 12 open reading frame 57; plus strand). Cytogenetic location: 12p13.31.
Variant type: single nucleotide variant.
Coding change: c.229+2T>C on transcript NM_138425.4 (MANE Select); the canonical splice donor site of the intron after coding-DNA position 229, T replaced by C.
Molecular consequence: splice donor variant. On other transcripts: intron variant (1).
Genome position (GRCh38, 1-based): chr12:6,944,654, T>C. VCF-style: chr12-6944654-T-C. GRCh37 (hg19) VCF-style: chr12-7053817-T-C.
Other names: c.190+2T>C (NM_001301836.2); c.229+2T>C (NM_001301834.1); c.124+2T>C (NM_001301838.2); c.142+89T>C (NM_001301837.2).
Identifiers: ClinVar variation 279718 (VCV000279718.10), dbSNP rs886041151, ClinGen allele CA10603281.
Genomic context (GRCh38, chr12:6,944,654, plus strand): 5'-GGCCACGCAGATCCAGCAGGAGGTTATCAAAGCCTATGGCTTCAGCTGCGACGGGGAAGG[T>C]GGGTCAGACGCGGGAAGGCGGGTCAGACGCGGGAAGGCGGGAGTTGGGTCGGGAGAGGGC-3'

ClinVar aggregate classification (germline): Uncertain significance. Review status: criteria provided, multiple submitters, no conflicts (2 of 4 stars). 2 submissions from 2 submitters: Uncertain significance (2). Last evaluated 2025-06-07.

Conditions:
Temtamy syndrome (TEMTYS). Also called: MENTAL RETARDATION WITH OR WITHOUT CRANIOFACIAL DYSMORPHISM, OCULAR COLOBOMA, OR ABNORMAL CORPUS CALLOSUM. Identifiers: Orphanet 1777, MedGen C1857512, MONDO:0009033, OMIM 218340.
Inborn genetic diseases. Identifiers: MedGen C0950123, MeSH D030342.

Allele frequency attached by ClinVar (database versions not stated): gnomAD exomes below 0.00001; gnomAD 0.00001.
gnomAD v4.1: 6 of 1,610,468 alleles (0.00037%); highest among the groups gnomAD compares: African/African-American, 0.0013%; no homozygotes.

Submissions (2):

Ambry Genetics
Classification: Uncertain significance for Inborn genetic diseases. Last evaluated: 2025-06-07. Review status: criteria provided, single submitter. Criteria: Ambry Variant Classification Scheme 2023. Collection method: clinical testing. Allele origin: germline.
Comment: Not expected to trigger nonsense-mediated mRNA decay Based on insufficient or conflicting evidence, the clinical significance of this alteration remains unclear.

Labcorp Genetics (formerly Invitae), Labcorp
Classification: Uncertain significance for Temtamy syndrome. Last evaluated: 2020-06-08. Review status: criteria provided, single submitter. Criteria: Invitae Variant Classification Sherloc (09022015). Collection method: clinical testing. Allele origin: germline.
Comment: In summary, the available evidence is currently insufficient to determine the role of this variant in disease. Therefore, it has been classified as a Variant of Uncertain Significance. This variant has been observed in individual(s) with Temtamy syndrome (PMID: 29383837). This variant is not present in population databases (ExAC no frequency). This sequence change affects a donor splice site in the last intron (intron 2) of the C12orf57 gene. While this is not anticipated to result in nonsense mediated decay, it likely alters RNA splicing and results in a disrupted protein product.

Literature cited by the submitters: PubMed 29383837 (cited by Ambry Genetics and Labcorp Genetics (formerly Invitae), Labcorp).